The following is an entry in ClinVar:

ClinVar aggregate classification (germline): Likely benign (0 of 4 stars; one submission).

Conditions:
TRIM55-related disorder. Also called: TRIM55-related condition.

Allele frequency attached by ClinVar (database versions not stated): ESP Exome Variant Server 0.00123; gnomAD 0.00124; 1000 Genomes Project 0.00160; 1000 Genomes Project 30x 0.00219.
gnomAD v4.1: 396 of 1,614,118 alleles (0.025%); highest among the groups gnomAD compares: African/African-American, 0.42%; no homozygotes.

Submission:

PreventionGenetics, part of Exact Sciences
Classification: Likely benign for TRIM55-related condition. Last evaluated: 2022-04-21. Review status: no assertion criteria provided. Collection method: clinical testing. Allele origin: germline.
Comment: This variant is classified as likely benign based on ACMG/AMP sequence variant interpretation guidelines (Richards et al. 2015 PMID: 25741868, with internal and published modifications).

NM_184085.2(TRIM55):c.704G>A (p.Arg235Gln)

Gene: TRIM55 (tripartite motif containing 55; plus strand). Cytogenetic location: 8q13.1.
Variant type: single nucleotide variant.
Coding change: c.704G>A on transcript NM_184085.2 (MANE Select); coding-DNA position 704, G replaced by A.
Protein change: p.Arg235Gln; replaces arginine 235 with glutamine.
Molecular consequence: missense variant. On other transcripts: intron variant (1).
Genome position (GRCh38, 1-based): chr8:66,149,745, G>A. VCF-style: chr8-66149745-G-A. GRCh37 (hg19) VCF-style: chr8-67061980-G-A.
Other names: c.704G>A, p.Arg235Gln (NM_033058.3, NM_184086.2); c.603+12555G>A (NM_184087.2); short protein forms R235Q.
Identifiers: ClinVar variation 3051012 (VCV003051012.2), dbSNP rs57965472, ClinGen allele CA4765758.